The following is an entry in ClinVar:

NM_001278716.2(FBXL4):c.1083C>T (p.Ile361=)

Gene: FBXL4 (F-box and leucine rich repeat protein 4; minus strand). Cytogenetic location: 6q16.2.
Variant type: single nucleotide variant.
Coding change: c.1083C>T on transcript NM_001278716.2 (MANE Select); coding-DNA position 1083, C replaced by T.
Protein change: p.Ile361=; no amino-acid change (isoleucine 361 retained).
Molecular consequence: synonymous variant. On other transcripts: non-coding transcript variant (2).
Genome position (GRCh38, 1-based): chr6:98,905,446, G>A on the plus strand (C>T on the coding strand, the complement: FBXL4 is on the minus strand). VCF-style: chr6-98905446-G-A. GRCh37 (hg19) VCF-style: chr6-99353322-G-A.
Other names: c.1083C>T, p.Ile361= (NM_012160.5).
Identifiers: ClinVar variation 437685 (VCV000437685.9), dbSNP rs368029297, ClinGen allele CA3933552.
Genomic context (GRCh38, chr6:98,905,446, plus strand): 5'-GCTGGGGGGGAAAAAAACTTCATCAAGGCTTTGTACTAACCTGCTAAATCCTGCAACAGA[G>A]ATGAAGCCTCTATTGCCAGTCCAAGATAAATTAAGCCACTGGACAAGAGTGCAGCGAGAC-3'
Protein context (NP_001265645.1, residues 351-371): NLSWTGNRGF[Ile361=]SVAGFSRFLK

ClinVar aggregate classification (germline): Conflicting classifications of pathogenicity. Review status: criteria provided, conflicting classifications (1 of 4 stars). 2 submissions from 2 submitters: Uncertain significance (1); Likely benign (1). Last evaluated 2026-01-26.

Conditions:
Mitochondrial DNA depletion syndrome 13. Also called: FBXL4-Related Encephalomyopathic Mitochondrial DNA Depletion Syndrome; Mitochondrial DNA depletion syndrome 13 (encephalomyopathic type). Identifiers: Orphanet 369897, MedGen C3809592, MONDO:0014198, OMIM 615471.

Allele frequency attached by ClinVar (database versions not stated): gnomAD exomes 0.00002 and 0.00006; ExAC 0.00007; gnomAD 0.00025 and 0.00027; TOPMed 0.00026; ESP Exome Variant Server 0.00031.
gnomAD v4.1: 69 of 1,614,068 alleles (0.0043%); highest among the groups gnomAD compares: African/African-American, 0.085%; no homozygotes.

Submissions (2):

Labcorp Genetics (formerly Invitae), Labcorp
Classification: Likely benign. Last evaluated: 2026-01-26. Review status: criteria provided, single submitter. Criteria: Invitae Variant Classification Sherloc (09022015). Collection method: clinical testing. Allele origin: germline.

Wong Mito Lab, Molecular and Human Genetics, Baylor College of Medicine
Classification: Uncertain significance for Mitochondrial DNA depletion syndrome 13. Last evaluated: 2017-08-10. Review status: criteria provided, single submitter. Criteria: ACMG Guidelines, 2015. Collection method: reference population. Allele origin: germline.
Comment: The NM_012160.4:c.1083C>T (NP_036292.2:p.Ile361=) [GRCH38: NC_000006.12:g.98905446G>A] variant in FBXL4 gene is interpretated to be a Uncertain Significance - Conflicting Evidence based on ACMG guidelines (PMID: 25741868). This variant meets one or more of the following evidence codes reported in the ACMG-guideline. PM2:This variant is absent in key population databases. BP4:Computational evidence/predictors indicate no impact on the FBXL4 structure, function, or protein-protein interaction. BP7:The variant is silent with non predicted splice impact. Based on this evidence code ClinGen Pathogenicity Calculator (PMID:28081714) suggested that the variant is Uncertain Significance - Conflicting Evidence.